The following is an entry in ClinVar:

NM_004568.6(SERPINB6):c.983C>T (p.Thr328Met)

Gene: SERPINB6 (serpin family B member 6; minus strand). Cytogenetic location: 6p25.2.
Variant type: single nucleotide variant.
Coding change: c.983C>T on transcript NM_004568.6 (MANE Select); coding-DNA position 983, C replaced by T.
Protein change: p.Thr328Met; replaces threonine 328 with methionine.
Molecular consequence: missense variant. On other transcripts: non-coding transcript variant (1).
Genome position (GRCh38, 1-based): chr6:2,948,446, G>A on the plus strand (C>T on the coding strand, the complement: SERPINB6 is on the minus strand). VCF-style: chr6-2948446-G-A. GRCh37 (hg19) VCF-style: chr6-2948680-G-A.
Other names: c.995C>T, p.Thr332Met (NM_001195291.3, NM_001374515.1); c.1025C>T, p.Thr342Met (NM_001271822.2); c.1040C>T, p.Thr347Met (NM_001271823.2); c.983C>T, p.Thr328Met (NM_001271824.2, NM_001271825.2, NM_001297699.2 and 2 more transcripts); c.851C>T, p.Thr284Met (NM_001374517.1); c.983C>T (NM_004568.5); short protein forms T332M, T342M, T284M, T328M, T347M.
Identifiers: ClinVar variation 805491 (VCV000805491.12), dbSNP rs376116821, ClinGen allele CA3617379.

ClinVar aggregate classification (germline): Uncertain significance. Review status: criteria provided, multiple submitters, no conflicts (2 of 4 stars). 7 submissions from 7 submitters: Uncertain significance (7). Last evaluated 2026-07-01.

Conditions:
SERPINB6-related disorder. Also called: SERPINB6-related condition.

Allele frequency attached by ClinVar (database versions not stated): ExAC 0.00004; ESP Exome Variant Server 0.00008; gnomAD exomes 0.00009; TOPMed 0.00009; gnomAD 0.00014.
gnomAD v4.1: 85 of 1,614,030 alleles (0.0053%); highest among the groups gnomAD compares: Admixed American, 0.042%; 1 homozygote.

Submissions (7):

CeGaT Center for Human Genetics Tuebingen
Classification: Uncertain significance. Last evaluated: 2026-07-01. Review status: criteria provided, single submitter. Criteria: CeGaT Center For Human Genetics Tuebingen Variant Classification Criteria Version 2. Collection method: clinical testing. Allele origin: germline. Affected: yes. Observed: 1 variant allele.

PreventionGenetics, part of Exact Sciences
Classification: Uncertain significance for SERPINB6-related condition. Last evaluated: 2026-01-06. Review status: criteria provided, single submitter. Criteria: ACMG Guidelines, 2015. Collection method: clinical testing. Allele origin: germline.
Comment: The SERPINB6 c.983C>T variant is predicted to result in the amino acid substitution p.Thr328Met. To our knowledge, this variant has not been reported in the literature. This variant is reported in 0.028% of alleles in individuals of Latino descent in gnomAD. At this time, the clinical significance of this variant is uncertain due to the absence of conclusive functional and genetic evidence.

GeneDx
Classification: Uncertain significance. Last evaluated: 2025-07-28. Review status: criteria provided, single submitter. Criteria: GeneDx Variant Classification Process June 2021. Collection method: clinical testing. Allele origin: germline. Affected: yes.
Comment: Identified in patients with sensorineural hearing loss and reported as a variant of uncertain significance in published literature (PMID: 40069133); In silico analysis supports that this missense variant has a deleterious effect on protein structure/function; This variant is associated with the following publications: (PMID: 40069133)

Ambry Genetics
Classification: Uncertain significance. Last evaluated: 2025-05-04. Review status: criteria provided, single submitter. Criteria: Ambry Variant Classification Scheme 2023. Collection method: clinical testing. Allele origin: germline.

Blueprint Genetics
Classification: Uncertain significance. Last evaluated: 2024-11-05. Review status: criteria provided, single submitter. Criteria: ACMG Guidelines, 2015. Collection method: clinical testing. Allele origin: germline.

Labcorp Genetics (formerly Invitae), Labcorp
Classification: Uncertain significance. Last evaluated: 2024-01-18. Review status: criteria provided, single submitter. Criteria: Invitae Variant Classification Sherloc (09022015). Collection method: clinical testing. Allele origin: germline.
Comment: This sequence change replaces threonine, which is neutral and polar, with methionine, which is neutral and non-polar, at codon 328 of the SERPINB6 protein (p.Thr328Met). This variant is present in population databases (rs376116821, gnomAD 0.03%). This variant has not been reported in the literature in individuals affected with SERPINB6-related conditions. ClinVar contains an entry for this variant (Variation ID: 805491). Advanced modeling of protein sequence and biophysical properties (such as structural, functional, and spatial information, amino acid conservation, physicochemical variation, residue mobility, and thermodynamic stability) performed at Invitae indicates that this missense variant is expected to disrupt SERPINB6 protein function with a positive predictive value of 80%. In summary, the available evidence is currently insufficient to determine the role of this variant in disease. Therefore, it has been classified as a Variant of Uncertain Significance.

Athena Diagnostics
Classification: Uncertain significance. Last evaluated: 2019-03-12. Review status: criteria provided, single submitter. Criteria: Athena Diagnostics Criteria. Collection method: clinical testing. Allele origin: germline.